The following is an entry in ClinVar:

NM_001278064.2(GRM1):c.2867A>T (p.Asn956Ile)

Gene: GRM1 (glutamate metabotropic receptor 1; plus strand). Cytogenetic location: 6q24.3.
Variant type: single nucleotide variant.
Coding change: c.2867A>T on transcript NM_001278064.2 (MANE Select); coding-DNA position 2867, A replaced by T.
Protein change: p.Asn956Ile; replaces asparagine 956 with isoleucine.
Molecular consequence: missense variant. On other transcripts: 3 prime UTR variant (3).
Genome position (GRCh38, 1-based): chr6:146,434,078, A>T. VCF-style: chr6-146434078-A-T. GRCh37 (hg19) VCF-style: chr6-146755214-A-T.
Other names: c.*231A>T (NM_001278065.2); c.*196A>T (NM_001278066.1); c.*105A>T (NM_001278067.1); short protein forms N956I.
Identifiers: ClinVar variation 1031288 (VCV001031288.1), dbSNP rs1212150882, ClinGen allele CA366192552.
Genomic context (GRCh38, chr6:146,434,078, plus strand): 5'-GTTACCAAGGCTCTGGCAAGAGCCTGACCTTTTCAGATACCAGCACCAAGACCCTTTACA[A>T]CGTAGAGGAGGAGGAGGATGCCCAGCCGATTCGCTTTAGCCCGCCTGGTAGCCCTTCCAT-3'
Protein context (NP_001264993.1, residues 946-966): FSDTSTKTLY[Asn956Ile]VEEEEDAQPI

ClinVar aggregate classification (germline): Uncertain significance (1 of 4 stars; one submission).

Conditions:
Spinocerebellar ataxia 44. Identifiers: Orphanet 631095, MedGen C4521563, MONDO:0033479, OMIM 617691.

Submission:

Baylor Genetics
Classification: Uncertain significance for Spinocerebellar ataxia 44. Last evaluated: 2020-01-16. Review status: criteria provided, single submitter. Criteria: ACMG Guidelines, 2015. Collection method: clinical testing. Allele origin: unknown. Affected: yes.
Comment: This variant was determined to be of uncertain significance according to ACMG Guidelines, 2015 [PMID:25741868].